The following is an entry in ClinVar:

ClinVar aggregate classification (germline): Uncertain significance (1 of 4 stars; one submission).

Submission:

Ambry Genetics
Classification: Uncertain significance. Last evaluated: 2025-06-16. Review status: criteria provided, single submitter. Criteria: Ambry Variant Classification Scheme 2023. Collection method: clinical testing. Allele origin: germline.
Comment: The p.H125D variant (also known as c.373C>G), located in coding exon 1 of the PALLD gene, results from a C to G substitution at nucleotide position 373. The histidine at codon 125 is replaced by aspartic acid, an amino acid with similar properties. This amino acid position is conserved. In addition, this alteration is predicted to be tolerated by in silico analysis. Based on the available evidence, the clinical significance of this variant remains unclear.

NM_001166108.2(PALLD):c.1965-12658C>G

Gene: PALLD (palladin, cytoskeletal associated protein; plus strand). Cytogenetic location: 4q32.3.
Variant type: single nucleotide variant.
Coding change: c.1965-12658C>G on transcript NM_001166108.2 (MANE Select); 12658 bases into the intron before coding-DNA position 1965, C replaced by G.
Molecular consequence: intron variant. On other transcripts: missense variant (1).
Genome position (GRCh38, 1-based): chr4:168,878,264, C>G. VCF-style: chr4-168878264-C-G. GRCh37 (hg19) VCF-style: chr4-169799415-C-G.
Other names: c.373C>G, p.His125Asp (NM_001166110.2); c.1965-12658C>G (NM_016081.4); c.819-12658C>G (NM_001166109.2); c.-157-12658C>G (NM_001367570.1, NM_001367568.1, NM_001367567.1 and 1 more transcripts); short protein forms H125D.
Identifiers: ClinVar variation 4130384 (VCV004130384.1).